The following is an entry in ClinVar:

ClinVar aggregate classification (germline): Uncertain significance (1 of 4 stars; one submission).

Conditions:
Hereditary cancer-predisposing syndrome. Also called: Hereditary neoplastic syndrome; Hereditary Cancer Syndrome; Neoplastic Syndromes, Hereditary; Tumor predisposition. Identifiers: Orphanet 140162, MedGen C0027672, MeSH D009386, MONDO:0015356.

Submission:

Color Diagnostics, LLC DBA Color Health
Classification: Uncertain significance for Hereditary cancer-predisposing syndrome. Last evaluated: 2022-05-10. Review status: criteria provided, single submitter. Criteria: ACMG Guidelines, 2015. Collection method: clinical testing. Allele origin: germline.
Comment: This variant causes an in-frame deletion of leucine 484 in the PALB2 protein. To our knowledge, functional studies have not been reported for this variant. This variant has not been reported in individuals affected with hereditary cancer in the literature. This variant has not been identified in the general population by the Genome Aggregation Database (gnomAD). The available evidence is insufficient to determine the role of this variant in disease conclusively. Therefore, this variant is classified as a Variant of Uncertain Significance.

NM_024675.4(PALB2):c.1450_1452del (p.Leu484del)

Gene: PALB2 (partner and localizer of BRCA2; minus strand). Cytogenetic location: 16p12.2.
Variant type: Deletion.
Coding change: c.1450_1452del on transcript NM_024675.4 (MANE Select); coding-DNA positions 1450 to 1452, 3 bases deleted (TTA; older notation c.1450_1452delTTA).
Protein change: p.Leu484del; deletes leucine 484.
Molecular consequence: inframe deletion. On other transcripts: intron variant (3).
Genome position (GRCh38, 1-based): chr16:23,635,094-23,635,096, TAA deleted on the plus strand (TTA on the coding strand, the reverse complement: PALB2 is on the minus strand); deleting any 3 consecutive bases within chr16:23,635,094-23,635,097 gives the same sequence; the c. name uses the placement nearest the transcript's 3' end. VCF-style (leftmost placement, unchanged base first): chr16-23635093-TTAA-T. GRCh37 (hg19) VCF-style: chr16-23646414-TTAA-T.
Other names: c.1390_1392del, p.Leu464del (NM_001407296.1); c.1450_1452del, p.Leu484del (NM_001407297.1, NM_001407298.1, NM_001407299.1 and 3 more transcripts); c.565_567del, p.Leu189del (NM_001407304.1, NM_001407305.1, NM_001407306.1 and 5 more transcripts); c.49-5821_49-5819del (NM_001407314.1); c.-104-4627_-104-4625del (NM_001407313.1, NM_001407312.1); short protein forms L189del, L464del, L484del.
Identifiers: ClinVar variation 2774011 (VCV002774011.2), dbSNP rs2506477115, ClinGen allele CA2697555728.